The following is an entry in ClinVar:

NM_000836.4(GRIN2D):c.1126T>C (p.Phe376Leu)

Gene: GRIN2D (glutamate ionotropic receptor NMDA type subunit 2D; plus strand). Cytogenetic location: 19q13.33.
Variant type: single nucleotide variant.
Coding change: c.1126T>C on transcript NM_000836.4 (MANE Select); coding-DNA position 1126, T replaced by C.
Protein change: p.Phe376Leu; replaces phenylalanine 376 with leucine.
Molecular consequence: missense variant.
Genome position (GRCh38, 1-based): chr19:48,414,031, T>C. VCF-style: chr19-48414031-T-C. GRCh37 (hg19) VCF-style: chr19-48917288-T-C.
Other names: short protein forms F376L.
Identifiers: ClinVar variation 1878632 (VCV001878632.1), dbSNP rs1213933266, ClinGen allele CA406694884.

ClinVar aggregate classification (germline): Uncertain significance (1 of 4 stars; one submission).

Conditions:
Developmental and epileptic encephalopathy, 46 (DEE46). Also called: GRIN2D-Related Developmental and Epileptic Encephalopathy; Epileptic encephalopathy, early infantile, 46. Identifiers: MedGen C4310687, MONDO:0014947, OMIM 617162.

Allele frequency attached by ClinVar (database versions not stated): gnomAD exomes below 0.00001; TOPMed below 0.00001.
gnomAD v4.1: 1 of 1,612,886 alleles (0.000062%); highest among the groups gnomAD compares: South Asian, 0.0011%; no homozygotes.

Submission:

Neuberg Centre For Genomic Medicine, NCGM
Classification: Uncertain significance for Developmental and epileptic encephalopathy, 46. Review status: criteria provided, single submitter. Criteria: ACMG Guidelines, 2015. Collection method: clinical testing. Allele origin: germline. Affected: yes.
Comment: The missense variant p.F376L in GRIN2D (NM_000836.2) has not been reported previously as a pathogenic variant nor as a benign variant, to our knowledge. The p.F376L variant is novel (not in any individuals) in gnomAD Exomes and is novel (not in any individuals) in 1000 Genomes. The p.F376L missense variant is predicted to be damaging by both SIFT and PolyPhen2. The phenylalanine residue at codon 376 of GRIN2D is conserved in all mammalian species. The nucleotide c.1126 in GRIN2D is predicted conserved by GERP++ and PhyloP across 100 vertebrates. For these reasons, this variant has been classified as Uncertain Significance.